The following is an entry in ClinVar:

ClinVar aggregate classification (germline): Benign (0 of 4 stars; one submission).

Conditions:
MAPK3-related disorder. Also called: MAPK3-related condition.

Allele frequency attached by ClinVar (database versions not stated): ExAC 0.00163; 1000 Genomes Project 0.00459; 1000 Genomes Project 30x 0.00484; gnomAD 0.00504; ESP Exome Variant Server 0.00608.
gnomAD v4.1: 1,490 of 1,613,164 alleles (0.092%); highest among the groups gnomAD compares: African/African-American, 1.8%; 17 homozygotes.

Submission:

PreventionGenetics, part of Exact Sciences
Classification: Benign for MAPK3-related condition. Last evaluated: 2019-10-28. Review status: no assertion criteria provided. Collection method: clinical testing. Allele origin: germline.
Comment: This variant is classified as benign based on ACMG/AMP sequence variant interpretation guidelines (Richards et al. 2015 PMID: 25741868, with internal and published modifications).

NM_002746.3(MAPK3):c.1017+48G>A

Gene: MAPK3 (mitogen-activated protein kinase 3; minus strand). Cytogenetic location: 16p11.2.
Variant type: single nucleotide variant.
Coding change: c.1017+48G>A on transcript NM_002746.3 (MANE Select); 48 bases into the intron after coding-DNA position 1017, G replaced by A.
Molecular consequence: intron variant. On other transcripts: synonymous variant (1).
Genome position (GRCh38, 1-based): chr16:30,116,846, C>T on the plus strand (G>A on the coding strand, the complement: MAPK3 is on the minus strand). VCF-style: chr16-30116846-C-T. GRCh37 (hg19) VCF-style: chr16-30128167-C-T.
Other names: c.1065G>A, p.Gly355= (NM_001040056.3); c.885+48G>A (NM_001109891.2).
Identifiers: ClinVar variation 3056883 (VCV003056883.2), dbSNP rs41291696, ClinGen allele CA8002701.